The following is an entry in ClinVar:

ClinVar aggregate classification (germline): Uncertain significance. Review status: criteria provided, multiple submitters, no conflicts (2 of 4 stars). 2 submissions from 2 submitters: Uncertain significance (2). Last evaluated 2025-01-30.

Allele frequency attached by ClinVar (database versions not stated): gnomAD 0.00001; gnomAD exomes 0.00002 and 0.00004; ExAC 0.00006; 1000 Genomes Project 0.00020; 1000 Genomes Project 30x 0.00031.
gnomAD v4.1: 31 of 1,613,804 alleles (0.0019%); highest among the groups gnomAD compares: South Asian, 0.034%; 1 homozygote.

Submissions (2):

Labcorp Genetics (formerly Invitae), Labcorp
Classification: Uncertain significance. Last evaluated: 2025-01-30. Review status: criteria provided, single submitter. Criteria: Invitae Variant Classification Sherloc (09022015). Collection method: clinical testing. Allele origin: germline.
Comment: This sequence change replaces glycine, which is neutral and non-polar, with alanine, which is neutral and non-polar, at codon 183 of the C1QTNF5 protein (p.Gly183Ala). This variant is present in population databases (rs557404721, gnomAD 0.03%). This variant has not been reported in the literature in individuals affected with C1QTNF5-related conditions. ClinVar contains an entry for this variant (Variation ID: 1063435). An algorithm developed to predict the effect of missense changes on protein structure and function (PolyPhen-2) suggests that this variant is likely to be disruptive. In summary, the available evidence is currently insufficient to determine the role of this variant in disease. Therefore, it has been classified as a Variant of Uncertain Significance.

Blueprint Genetics
Classification: Uncertain significance. Last evaluated: 2024-10-18. Review status: criteria provided, single submitter. Criteria: ACMG Guidelines, 2015. Collection method: clinical testing. Allele origin: germline.

NM_001278431.2(C1QTNF5):c.548G>C (p.Gly183Ala)

Genes: C1QTNF5 (C1q and TNF related 5; minus strand), MFRP (membrane frizzled-related protein; minus strand). Cytogenetic location: 11q23.3.
Variant type: single nucleotide variant.
Coding change: c.548G>C on transcript NM_001278431.2 (MANE Select); coding-DNA position 548, G replaced by C.
Protein change: p.Gly183Ala; replaces glycine 183 with alanine.
Molecular consequence: missense variant. On other transcripts: 3 prime UTR variant (1).
Genome position (GRCh38, 1-based): chr11:119,339,515, C>G on the plus strand (G>C on the coding strand, the complement: C1QTNF5 is on the minus strand). VCF-style: chr11-119339515-C-G. GRCh37 (hg19) VCF-style: chr11-119210225-C-G.
Other names: c.548G>C, p.Gly183Ala (NM_015645.5); c.*1444G>C (NM_031433.4); short protein forms G183A.
Identifiers: ClinVar variation 1063435 (VCV001063435.10), dbSNP rs557404721, ClinGen allele CA6319930.